The following is an entry in ClinVar:

ClinVar aggregate classification (germline): Benign (1 of 4 stars; one submission).

Conditions:
Amyotrophic lateral sclerosis type 10 (ALS10). Also called: AMYOTROPHIC LATERAL SCLEROSIS 10 WITHOUT FRONTOTEMPORAL DEMENTIA AND WITH TDP43 INCLUSIONS; AMYOTROPHIC LATERAL SCLEROSIS 10 WITH OR WITHOUT FRONTOTEMPORAL DEMENTIA AND WITH TDP43 INCLUSIONS; AMYOTROPHIC LATERAL SCLEROSIS 10 WITH OR WITHOUT FRONTOTEMPORAL DEMENTIA; TARDBP-Related Amyotrophic Lateral Sclerosis-Frontotemporal Dementia; Amyotrophic lateral sclerosis 10, with or without FTD. Identifiers: Orphanet 275872, Orphanet 803, MedGen C2677565, MONDO:0012790, OMIM 612069.

Allele frequency attached by ClinVar (database versions not stated): gnomAD 0.00024 and 0.00028; TOPMed 0.00034; 1000 Genomes Project 0.00080; 1000 Genomes Project 30x 0.00094.
gnomAD v4.1: 42 of 152,192 alleles (0.028%); highest among the groups gnomAD compares: East Asian, 0.79%; no homozygotes.

Submission:

Illumina Laboratory Services, Illumina
Classification: Benign for Amyotrophic lateral sclerosis type 10. Last evaluated: 2018-01-13. Review status: criteria provided, single submitter. Criteria: ICSL Variant Classification Criteria 13 December 2019. Collection method: clinical testing. Allele origin: germline.
Comment: This variant was observed in the ICSL laboratory as part of a predisposition screen in an ostensibly healthy population. It had not been previously curated by ICSL or reported in the Human Gene Mutation Database (HGMD: prior to June 1st, 2018), and was therefore a candidate for classification through an automated scoring system. Utilizing variant allele frequency, disease prevalence and penetrance estimates, and inheritance mode, an automated score was calculated to assess if this variant is too frequent to cause the disease. Based on the score and internal cut-off values, a variant classified as benign is not then subjected to further curation. The score for this variant resulted in a classification of benign for this disease.

NM_007375.4(TARDBP):c.*2740G>A

Gene: TARDBP (TAR DNA binding protein; plus strand). Cytogenetic location: 1p36.22.
Variant type: single nucleotide variant.
Coding change: c.*2740G>A on transcript NM_007375.4 (MANE Select); 2740 bases downstream of the stop codon, G replaced by A.
Molecular consequence: 3 prime UTR variant.
Genome position (GRCh38, 1-based): chr1:11,025,394, G>A. VCF-style: chr1-11025394-G-A. GRCh37 (hg19) VCF-style: chr1-11085451-G-A.
Identifiers: ClinVar variation 291768 (VCV000291768.5), dbSNP rs566658679, ClinGen allele CA10607506.
Genomic context (GRCh38, chr1:11,025,394, plus strand): 5'-ATACGGGTATTTATTTTACCCTAAGAAGATTTTGAAGTTTAAAAGTACTTAAACTATTTG[G>A]CAAAGATTTGTTTTTAAAAATCTATTTGGTCAATCTAAATGCATTCATTCTAAAAAATTT-3'